The following is an entry in ClinVar:

ClinVar aggregate classification (germline): Uncertain significance (1 of 4 stars; one submission).

Allele frequency attached by ClinVar (database versions not stated): gnomAD 0.00001.

Submission:

Ambry Genetics
Classification: Uncertain significance. Last evaluated: 2024-01-30. Review status: criteria provided, single submitter. Criteria: Ambry Variant Classification Scheme 2023. Collection method: clinical testing. Allele origin: germline.
Comment: The p.V519L variant (also known as c.1555G>C), located in coding exon 14 of the RAD54L gene, results from a G to C substitution at nucleotide position 1555. The valine at codon 519 is replaced by leucine, an amino acid with highly similar properties. This amino acid position is conserved. In addition, the in silico prediction for this alteration is inconclusive. Since supporting evidence is limited at this time, the clinical significance of this alteration remains unclear.

NM_003579.4(RAD54L):c.1555G>C (p.Val519Leu)

Gene: RAD54L (RAD54 like; plus strand). Cytogenetic location: 1p34.1.
Variant type: single nucleotide variant.
Coding change: c.1555G>C on transcript NM_003579.4 (MANE Select); coding-DNA position 1555, G replaced by C.
Protein change: p.Val519Leu; replaces valine 519 with leucine.
Molecular consequence: missense variant.
Genome position (GRCh38, 1-based): chr1:46,273,692, G>C. VCF-style: chr1-46273692-G-C. GRCh37 (hg19) VCF-style: chr1-46739364-G-C.
Other names: c.1555G>C, p.Val519Leu (NM_001142548.2); c.1015G>C, p.Val339Leu (NM_001370766.1); short protein forms V339L, V519L.
Identifiers: ClinVar variation 1775147 (VCV001775147.2), dbSNP rs2148302090, ClinGen allele CA340182326.